The following is an entry in ClinVar:

NM_006767.4(LZTR1):c.2344A>G (p.Lys782Glu)

Gene: LZTR1 (leucine zipper like post translational regulator 1; plus strand). Cytogenetic location: 22q11.21.
Variant type: single nucleotide variant.
Coding change: c.2344A>G on transcript NM_006767.4 (MANE Select); coding-DNA position 2344, A replaced by G.
Protein change: p.Lys782Glu; replaces lysine 782 with glutamic acid.
Molecular consequence: missense variant.
Genome position (GRCh38, 1-based): chr22:20,996,904, A>G. VCF-style: chr22-20996904-A-G. GRCh37 (hg19) VCF-style: chr22-21351193-A-G.
Other names: c.2344A>G (NM_006767.3); short protein forms K782E.
Identifiers: ClinVar variation 3012782 (VCV003012782.2), dbSNP rs1488624802, ClinGen allele CA410781004.
Genomic context (GRCh38, chr22:20,996,904, plus strand): 5'-GTGGGTGAAAGGGGCAGCGCCTCAAGGTCCCTGCCATTGCAGATCCTGGAGGCAGCTGAC[A>G]AAACGCAGGCACTGGACATGAAGCGGCACTGCCTGCACATCATTGTGCACCAGTTCACCA-3'
Protein context (NP_006758.2, residues 772-792): NVLQILEAAD[Lys782Glu]TQALDMKRHC

ClinVar aggregate classification (germline): Uncertain significance. Review status: criteria provided, multiple submitters, no conflicts (2 of 4 stars). 2 submissions from 2 submitters: Uncertain significance (2). Last evaluated 2025-03-22.

Conditions:
Hereditary cancer-predisposing syndrome. Also called: Neoplastic Syndromes, Hereditary; Tumor predisposition; Hereditary neoplastic syndrome; Hereditary Cancer Syndrome. Identifiers: Orphanet 140162, MedGen C0027672, MeSH D009386, MONDO:0015356.
Cardiovascular phenotype. Identifiers: MedGen CN230736.

Submissions (2):

Ambry Genetics
Classification: Uncertain significance for Cardiovascular phenotype; Hereditary cancer-predisposing syndrome. Last evaluated: 2025-03-22. Review status: criteria provided, single submitter. Criteria: Ambry Variant Classification Scheme 2023. Collection method: clinical testing. Allele origin: germline.
Comment: The p.K782E variant (also known as c.2344A>G), located in coding exon 20 of the LZTR1 gene, results from an A to G substitution at nucleotide position 2344. The lysine at codon 782 is replaced by glutamic acid, an amino acid with similar properties. This amino acid position is conserved. In addition, this alteration is predicted to be deleterious by in silico analysis. Based on the available evidence, the clinical significance of this variant remains unclear.

Labcorp Genetics (formerly Invitae), Labcorp
Classification: Uncertain significance. Last evaluated: 2023-12-30. Review status: criteria provided, single submitter. Criteria: Invitae Variant Classification Sherloc (09022015). Collection method: clinical testing. Allele origin: germline.
Comment: This sequence change replaces lysine, which is basic and polar, with glutamic acid, which is acidic and polar, at codon 782 of the LZTR1 protein (p.Lys782Glu). This variant is not present in population databases (gnomAD no frequency). This variant has not been reported in the literature in individuals affected with LZTR1-related conditions. Advanced modeling of protein sequence and biophysical properties (such as structural, functional, and spatial information, amino acid conservation, physicochemical variation, residue mobility, and thermodynamic stability) performed at Invitae indicates that this missense variant is not expected to disrupt LZTR1 protein function with a negative predictive value of 80%. In summary, the available evidence is currently insufficient to determine the role of this variant in disease. Therefore, it has been classified as a Variant of Uncertain Significance.